The following is an entry in ClinVar:

NM_133372.3(FNIP1):c.2786C>G (p.Thr929Ser)

Gene: FNIP1 (folliculin interacting protein 1; minus strand). Cytogenetic location: 5q31.1.
Variant type: single nucleotide variant.
Coding change: c.2786C>G on transcript NM_133372.3 (MANE Select); coding-DNA position 2786, C replaced by G.
Protein change: p.Thr929Ser; replaces threonine 929 with serine.
Molecular consequence: missense variant.
Genome position (GRCh38, 1-based): chr5:131,671,658, G>C on the plus strand (C>G on the coding strand, the complement: FNIP1 is on the minus strand). VCF-style: chr5-131671658-G-C. GRCh37 (hg19) VCF-style: chr5-131007351-G-C.
Other names: c.2702C>G, p.Thr901Ser (NM_001008738.3); c.2651C>G, p.Thr884Ser (NM_001346114.2); c.2786C>G (NM_133372.2); short protein forms T929S, T901S, T884S.
Identifiers: ClinVar variation 2063826 (VCV002063826.3), dbSNP rs781508824, ClinGen allele CA3400464.

ClinVar aggregate classification (germline): Uncertain significance. Review status: criteria provided, multiple submitters, no conflicts (2 of 4 stars). 2 submissions from 2 submitters: Uncertain significance (2). Last evaluated 2023-12-07.

Conditions:
Inborn genetic diseases. Identifiers: MedGen C0950123, MeSH D030342.

Allele frequency attached by ClinVar (database versions not stated): gnomAD 0.00005; ExAC 0.00008; TOPMed 0.00012; gnomAD exomes 0.00017.
gnomAD v4.1: 255 of 1,614,028 alleles (0.016%); highest among the groups gnomAD compares: Middle Eastern, 0.049%; 1 homozygote.

Submissions (2):

Labcorp Genetics (formerly Invitae), Labcorp
Classification: Uncertain significance. Last evaluated: 2023-12-07. Review status: criteria provided, single submitter. Criteria: Invitae Variant Classification Sherloc (09022015). Collection method: clinical testing. Allele origin: germline.
Comment: This sequence change replaces threonine, which is neutral and polar, with serine, which is neutral and polar, at codon 929 of the FNIP1 protein (p.Thr929Ser). This variant is present in population databases (rs781508824, gnomAD 0.04%). This variant has not been reported in the literature in individuals affected with FNIP1-related conditions. ClinVar contains an entry for this variant (Variation ID: 2063826). An algorithm developed to predict the effect of missense changes on protein structure and function (PolyPhen-2) suggests that this variant¬†is likely to be tolerated. In summary, the available evidence is currently insufficient to determine the role of this variant in disease. Therefore, it has been classified as a Variant of Uncertain Significance.

Ambry Genetics
Classification: Uncertain significance for Inborn genetic diseases. Last evaluated: 2021-07-14. Review status: criteria provided, single submitter. Criteria: Ambry Variant Classification Scheme 2023. Collection method: clinical testing. Allele origin: germline.